The following is an entry in ClinVar:

NM_001349253.2(SCN11A):c.2243A>G (p.His748Arg)

Gene: SCN11A (sodium voltage-gated channel alpha subunit 11; minus strand). Cytogenetic location: 3p22.2.
Variant type: single nucleotide variant.
Coding change: c.2243A>G on transcript NM_001349253.2 (MANE Select); coding-DNA position 2243, A replaced by G.
Protein change: p.His748Arg; replaces histidine 748 with arginine.
Molecular consequence: missense variant.
Genome position (GRCh38, 1-based): chr3:38,897,005, T>C on the plus strand (A>G on the coding strand, the complement: SCN11A is on the minus strand). VCF-style: chr3-38897005-T-C. GRCh37 (hg19) VCF-style: chr3-38938496-T-C.
Other names: c.2243A>G, p.His748Arg (NM_014139.3); short protein forms H748R.
Identifiers: ClinVar variation 1788305 (VCV001788305.3), dbSNP rs749781023, ClinGen allele CA2322104.

ClinVar aggregate classification (germline): Uncertain significance. Review status: criteria provided, multiple submitters, no conflicts (2 of 4 stars). 2 submissions from 2 submitters: Uncertain significance (2). Last evaluated 2025-11-30.

Conditions:
Inborn genetic diseases. Identifiers: MedGen C0950123, MeSH D030342.
Familial episodic pain syndrome with predominantly lower limb involvement. Also called: Episodic pain syndrome, familial, 3. Identifiers: Orphanet 391384, Orphanet 391392, MedGen C3809899, MONDO:0014247, OMIM 615552.
Hereditary sensory and autonomic neuropathy type 7. Also called: HSAN VII; Neuropathy, hereditary sensory and autonomic, type VII. Identifiers: Orphanet 391397, MedGen C3809882, MONDO:0014244, OMIM 615548.

Allele frequency attached by ClinVar (database versions not stated): ExAC 0.00002; gnomAD exomes below 0.00001.
gnomAD v4.1: 3 of 1,614,156 alleles (0.00019%); highest among the groups gnomAD compares: Non-Finnish European, 0.00017%; no homozygotes.

Submissions (2):

Labcorp Genetics (formerly Invitae), Labcorp
Classification: Uncertain significance for Familial episodic pain syndrome with predominantly lower limb involvement; Hereditary sensory and autonomic neuropathy type 7. Last evaluated: 2025-11-30. Review status: criteria provided, single submitter. Criteria: Invitae Variant Classification Sherloc (09022015). Collection method: clinical testing. Allele origin: germline.
Comment: This sequence change replaces histidine, which is basic and polar, with arginine, which is basic and polar, at codon 748 of the SCN11A protein (p.His748Arg). This variant is present in population databases (rs749781023, gnomAD 0.003%). This variant has not been reported in the literature in individuals affected with SCN11A-related conditions. ClinVar contains an entry for this variant (Variation ID: 1788305). Invitae Evidence Modeling of protein sequence and biophysical properties (such as structural, functional, and spatial information, amino acid conservation, physicochemical variation, residue mobility, and thermodynamic stability) indicates that this missense variant is not expected to disrupt SCN11A protein function with a negative predictive value of 80%. In summary, the available evidence is currently insufficient to determine the role of this variant in disease. Therefore, it has been classified as a Variant of Uncertain Significance.

Ambry Genetics
Classification: Uncertain significance for Inborn genetic diseases. Last evaluated: 2020-05-19. Review status: criteria provided, single submitter. Criteria: Ambry Variant Classification Scheme 2023. Collection method: clinical testing. Allele origin: germline.
Comment: The p.H748R variant (also known as c.2243A>G), located in coding exon 14 of the SCN11A gene, results from an A to G substitution at nucleotide position 2243. The histidine at codon 748 is replaced by arginine, an amino acid with highly similar properties. This amino acid position is poorly conserved in available vertebrate species. In addition, this alteration is predicted to be tolerated by in silico analysis. Since supporting evidence is limited at this time, the clinical significance of this alteration remains unclear.